The following is an entry in ClinVar:

ClinVar aggregate classification (germline): Uncertain significance (1 of 4 stars; one submission).

Conditions:
Familial hemophagocytic lymphohistiocytosis 4 (FHL4). Also called: STX11-Related Familial Hemophagocytic Lymphohistiocytosis (STX11-fHLH). Identifiers: Orphanet 540, MedGen C1863728, MONDO:0011336, OMIM 603552.

gnomAD v4.1: 4 of 1,609,246 alleles (0.00025%); highest among the groups gnomAD compares: African/African-American, 0.004%; no homozygotes.

Submission:

Labcorp Genetics (formerly Invitae), Labcorp
Classification: Uncertain significance for Familial hemophagocytic lymphohistiocytosis 4. Last evaluated: 2024-11-24. Review status: criteria provided, single submitter. Criteria: Invitae Variant Classification Sherloc (09022015). Collection method: clinical testing. Allele origin: germline.
Comment: This sequence change replaces glutamic acid, which is acidic and polar, with lysine, which is basic and polar, at codon 115 of the STX11 protein (p.Glu115Lys). This variant is present in population databases (rs577827394, gnomAD 0.01%). This variant has not been reported in the literature in individuals affected with STX11-related conditions. Invitae Evidence Modeling of protein sequence and biophysical properties (such as structural, functional, and spatial information, amino acid conservation, physicochemical variation, residue mobility, and thermodynamic stability) indicates that this missense variant is not expected to disrupt STX11 protein function with a negative predictive value of 80%. In summary, the available evidence is currently insufficient to determine the role of this variant in disease. Therefore, it has been classified as a Variant of Uncertain Significance.

NM_003764.4(STX11):c.343G>A (p.Glu115Lys)

Gene: STX11 (syntaxin 11; plus strand). Cytogenetic location: 6q24.2.
Variant type: single nucleotide variant.
Coding change: c.343G>A on transcript NM_003764.4 (MANE Select); coding-DNA position 343, G replaced by A.
Protein change: p.Glu115Lys; replaces glutamic acid 115 with lysine.
Molecular consequence: missense variant.
Genome position (GRCh38, 1-based): chr6:144,186,970, G>A. VCF-style: chr6-144186970-G-A. GRCh37 (hg19) VCF-style: chr6-144508107-G-A.
Other names: short protein forms E115K.
Identifiers: ClinVar variation 3683050 (VCV003683050.2).
Genomic context (GRCh38, chr6:144,186,970, plus strand): 5'-GCCCGGGGCGAGGTCATCCACTGCAAGCTGCGCGCCATGAAGGAGCTGAGCGAGGCGGCT[G>A]AGGCCCAGCACGGCCCGCACTCGGCAGTGGCGCGCATTTCGCGGGCGCAGTACAACGCGC-3'
Protein context (NP_003755.2, residues 105-125): RAMKELSEAA[Glu115Lys]AQHGPHSAVA